The following is an entry in ClinVar:

ClinVar aggregate classification (germline): Pathogenic (1 of 4 stars; one submission).

Submission:

Labcorp Genetics (formerly Invitae), Labcorp
Classification: Pathogenic. Last evaluated: 2025-11-01. Review status: criteria provided, single submitter. Criteria: Invitae Variant Classification Sherloc (09022015). Collection method: clinical testing. Allele origin: germline.
Comment: This sequence change inserts a large fragment of DNA, likely a transposable element, in exon 12 of the C1S gene (c.1353_1354ins?), causing a frameshift at codon 452 (p.Gln452fs). The exact size and sequence of the insertion cannot be determined by the current assay. However, the insertion is expected to result in an absent or disrupted protein product. This variant is not present in population databases (gnomAD no frequency). This variant has not been reported in the literature in individuals affected with C1S-related conditions. This variant disrupts a region of the C1S protein in which other variant(s) (p.Glu597*) have been determined to be pathogenic (PMID: 19155518). This suggests that this is a clinically significant region of the protein, and that variants that disrupt it are likely to be disease-causing. Retrotransposon insertions including LINE1 (L1), Alu, and SVA (SINE-VNTR-Alu) have been reported to disrupt protein function (PMID: 19763152, 20307669, 22406018). However the effect of this particular variant is unknown. For these reasons, this variant has been classified as Pathogenic.

Literature cited by the submitters: PubMed 19155518; PubMed 19763152; PubMed 20307669; PubMed 22406018.

NM_001734.5(C1S):c.1353_1354insAAGTGAGGAGCCCCTCTGCCCGGCCAGCCGCCCCGCCCAGGAGGGAGGTGGGGGGGTCAGCCCCCCGCCTGGCCNNNNNNNNNNAAAAAAAAAAAAAAAAAAAATAAAAACTTCCCCTGG (p.Gln452delinsLysTer)

Gene: C1S (complement C1s; plus strand). Cytogenetic location: 12p13.31.
Variant type: Insertion.
Coding change: c.1353_1354insAAGTGAGGAGCCCCTCTGCCCGGCCAGCCGCCCCGCCCAGGAGGGAGGTGGGGGGGTCAGCCCCCCGCCTGGCCNNNNNNNNNNAAAAAAAAAAAAAAAAAAAATAAAAACTTCCCCTGG on transcript NM_001734.5 (MANE Select); coding-DNA positions 1353 to 1354, AAGTGAGGAGCCCCTCTGCCCGGCCAGCCGCCCCGCCCAGGAGGGAGGTGGGGGGGTCAGCCCCCCGCCTGGCCNNNNNNNNNNAAAAAAAAAAAAAAAAAAAATAAAAACTTCCCCTGG inserted.
Protein change: p.Gln452delinsLysTer.
Molecular consequence: nonsense.
Genome position: GRCh38: chr12:7,069,937-7,069,938. GRCh37 (hg19): chr12:7,177,241-7,177,242.
Other names: c.852_853insAAGTGAGGAGCCCCTCTGCCCGGCCAGCCGCCCCGCCCAGGAGGGAGGTGGGGGGGTCAGCCCCCCGCCTGGCCNNNNNNNNNNAAAAAAAAAAAAAAAAAAAATAAAAACTTCCCCTGG, p.Gln285delinsLysTer (NM_001346850.2); c.1353_1354insAAGTGAGGAGCCCCTCTGCCCGGCCAGCCGCCCCGCCCAGGAGGGAGGTGGGGGGGTCAGCCCCCCGCCTGGCCNNNNNNNNNNAAAAAAAAAAAAAAAAAAAATAAAAACTTCCCCTGG, p.Gln452delinsLysTer (NM_201442.4).
Identifiers: ClinVar variation 4730295 (VCV004730295.1).